The following is an entry in ClinVar:

NM_002230.4(JUP):c.874C>G (p.Leu292Val)

Gene: JUP (junction plakoglobin; minus strand). Cytogenetic location: 17q21.2.
Variant type: single nucleotide variant.
Coding change: c.874C>G on transcript NM_002230.4 (MANE Select); coding-DNA position 874, C replaced by G.
Protein change: p.Leu292Val; replaces leucine 292 with valine.
Molecular consequence: missense variant.
Genome position (GRCh38, 1-based): chr17:41,767,414, G>C on the plus strand (C>G on the coding strand, the complement: JUP is on the minus strand). VCF-style: chr17-41767414-G-C. GRCh37 (hg19) VCF-style: chr17-39923666-G-C.
Other names: c.874C>G, p.Leu292Val (NM_001352773.2, NM_001352774.2, NM_001352775.2 and 3 more transcripts); short protein forms L292V.
Identifiers: ClinVar variation 837677 (VCV000837677.9), dbSNP rs1915903019, ClinGen allele CA399500690.

ClinVar aggregate classification (germline): Uncertain significance (1 of 4 stars; one submission).

Conditions:
Arrhythmogenic right ventricular dysplasia 12. Also called: ARRHYTHMOGENIC RIGHT VENTRICULAR DYSPLASIA, FAMILIAL, 12. Identifiers: MedGen C1969081, MONDO:0012684, OMIM 611528.
Naxos disease (NXD). Also called: CARDIOMYOPATHY, ARRHYTHMOGENIC RIGHT VENTRICULAR, WITH SKIN, HAIR, AND NAIL ABNORMALITIES; PALMOPLANTAR KERATODERMA WITH ARRHYTHMOGENIC RIGHT VENTRICULAR CARDIOMYOPATHY AND WOOLLY HAIR; WOOLLY HAIR, PALMOPLANTAR KERATODERMA, AND CARDIAC ABNORMALITIES; KERATOSIS PALMOPLANTARIS WITH ARRHYTHMOGENIC CARDIOMYOPATHY; MAL DE NAXOS. Identifiers: Orphanet 34217, MedGen C1832600, MONDO:0011017, OMIM 601214.

Allele frequency attached by ClinVar (database versions not stated): gnomAD exomes below 0.00001.
gnomAD v4.1: 1 of 1,614,218 alleles (0.000062%); highest among the groups gnomAD compares: Non-Finnish European, 0.000085%; no homozygotes.

Submission:

Labcorp Genetics (formerly Invitae), Labcorp
Classification: Uncertain significance for Arrhythmogenic right ventricular dysplasia 12; Naxos disease. Last evaluated: 2019-04-18. Review status: criteria provided, single submitter. Criteria: Invitae Variant Classification Sherloc (09022015). Collection method: clinical testing. Allele origin: germline.
Comment: In summary, the available evidence is currently insufficient to determine the role of this variant in disease. Therefore, it has been classified as a Variant of Uncertain Significance. Algorithms developed to predict the effect of missense changes on protein structure and function are either unavailable or do not agree on the potential impact of this missense change (SIFT: "Deleterious"; PolyPhen-2: "Benign"; Align-GVGD: "Class C0"). This variant has not been reported in the literature in individuals with JUP-related conditions. This variant is not present in population databases (ExAC no frequency). This sequence change replaces leucine with valine at codon 292 of the JUP protein (p.Leu292Val). The leucine residue is highly conserved and there is a small physicochemical difference between leucine and valine.